The following is an entry in ClinVar:

ClinVar aggregate classification (germline): Uncertain significance (1 of 4 stars; one submission).

Submission:

Labcorp Genetics (formerly Invitae), Labcorp
Classification: Uncertain significance. Last evaluated: 2018-04-28. Review status: criteria provided, single submitter. Criteria: Invitae Variant Classification Sherloc (09022015). Collection method: clinical testing. Allele origin: germline.
Comment: In summary, the available evidence is currently insufficient to determine the role of this variant in disease. Therefore, it has been classified as a Variant of Uncertain Significance. Algorithms developed to predict the effect of missense changes on protein structure and function (SIFT, PolyPhen-2, Align-GVGD) all suggest that this variant is likely to be disruptive, but these predictions have not been confirmed by published functional studies and their clinical significance is uncertain. This variant has not been reported in the literature in individuals with POLE-related disease. This variant is not present in population databases (ExAC no frequency). This sequence change replaces proline with threonine at codon 324 of the POLE protein (p.Pro324Thr). The proline residue is highly conserved and there is a small physicochemical difference between proline and threonine.

NM_006231.4(POLE):c.970C>A (p.Pro324Thr)

Gene: POLE (DNA polymerase epsilon, catalytic subunit; minus strand). Cytogenetic location: 12q24.33.
Variant type: single nucleotide variant.
Coding change: c.970C>A on transcript NM_006231.4 (MANE Select); coding-DNA position 970, C replaced by A.
Protein change: p.Pro324Thr; replaces proline 324 with threonine.
Molecular consequence: missense variant.
Genome position (GRCh38, 1-based): chr12:132,676,144, G>T on the plus strand (C>A on the coding strand, the complement: POLE is on the minus strand). VCF-style: chr12-132676144-G-T. GRCh37 (hg19) VCF-style: chr12-133252730-G-T.
Other names: short protein forms P324T.
Identifiers: ClinVar variation 567128 (VCV000567128.8), dbSNP rs1397733219, ClinGen allele CA387363694.